The following is an entry in ClinVar:

NM_000038.6(APC):c.911T>C (p.Leu304Pro)

Gene: APC (APC regulator of Wnt signaling pathway; plus strand). Cytogenetic location: 5q22.2.
Variant type: single nucleotide variant.
Coding change: c.911T>C on transcript NM_000038.6 (MANE Select); coding-DNA position 911, T replaced by C.
Protein change: p.Leu304Pro; replaces leucine 304 with proline.
Molecular consequence: missense variant.
Genome position (GRCh38, 1-based): chr5:112,815,571, T>C. VCF-style: chr5-112815571-T-C. GRCh37 (hg19) VCF-style: chr5-112151268-T-C.
Other names: c.911T>C, p.Leu304Pro (NM_001127510.3, NM_001354895.2, NM_001354896.2 and 1 more transcripts); c.857T>C, p.Leu286Pro (NM_001127511.3); c.941T>C, p.Leu314Pro (NM_001354897.2, NM_001354902.2); c.836T>C, p.Leu279Pro (NM_001354898.2, NM_001354904.2); c.827T>C, p.Leu276Pro (NM_001354899.2); c.734T>C, p.Leu245Pro (NM_001354900.2, NM_001354901.2, NM_001354905.2); c.62T>C, p.Leu21Pro (NM_001354906.2); short protein forms L286P, L304P, L21P, L276P, L314P, L245P, L279P.
Identifiers: ClinVar variation 418609 (VCV000418609.24), dbSNP rs1064793322, ClinGen allele CA16023306.

ClinVar aggregate classification (germline): Conflicting classifications of pathogenicity. Review status: criteria provided, conflicting classifications (1 of 4 stars). 7 submissions from 7 submitters: Uncertain significance (6); Benign (1). Last evaluated 2026-05-15.

Conditions:
Hereditary cancer-predisposing syndrome. Also called: Hereditary Cancer Syndrome; Tumor predisposition; Hereditary neoplastic syndrome; Neoplastic Syndromes, Hereditary. Identifiers: Orphanet 140162, MedGen C0027672, MeSH D009386, MONDO:0015356.
Classic or attenuated familial adenomatous polyposis. Identifiers: MedGen CN372698, MONDO:0021057.
Familial adenomatous polyposis 1 (FAP1). Also called: FAMILIAL ADENOMATOUS POLYPOSIS 1, ATTENUATED; POLYPOSIS, ADENOMATOUS INTESTINAL. Identifiers: MedGen C2713442, MONDO:0021056, OMIM 175100. Disease mechanism: loss of function.

Allele frequency attached by ClinVar (database versions not stated): gnomAD exomes below 0.00001; TOPMed 0.00002; gnomAD 0.00001.
gnomAD v4.1: 2 of 1,611,440 alleles (0.00012%); highest among the groups gnomAD compares: Non-Finnish European, 0.00017%; no homozygotes.

Submissions (7):

Ambry Genetics
Classification: Benign for Hereditary cancer-predisposing syndrome. Last evaluated: 2026-05-15. Review status: criteria provided, single submitter. Criteria: Ambry Variant Classification Scheme 2023. Collection method: clinical testing. Allele origin: germline.

Labcorp Genetics (formerly Invitae), Labcorp
Classification: Uncertain significance for Familial adenomatous polyposis 1. Last evaluated: 2025-12-14. Review status: criteria provided, single submitter. Criteria: Invitae Variant Classification Sherloc (09022015). Collection method: clinical testing. Allele origin: germline.
Comment: This sequence change replaces leucine, which is neutral and non-polar, with proline, which is neutral and non-polar, at codon 304 of the APC protein (p.Leu304Pro). This variant is present in population databases (no rsID available, gnomAD 0.007%). This missense change has been observed in individual(s) with familial adenomatous polyposis (PMID: 23159591). ClinVar contains an entry for this variant (Variation ID: 418609). Invitae Evidence Modeling of protein sequence and biophysical properties (such as structural, functional, and spatial information, amino acid conservation, physicochemical variation, residue mobility, and thermodynamic stability) indicates that this missense variant is not expected to disrupt APC protein function with a negative predictive value of 95%. In summary, the available evidence is currently insufficient to determine the role of this variant in disease. Therefore, it has been classified as a Variant of Uncertain Significance.

GeneDx
Classification: Uncertain significance. Last evaluated: 2024-07-02. Review status: criteria provided, single submitter. Criteria: GeneDx Variant Classification Process June 2021. Collection method: clinical testing. Allele origin: germline. Affected: yes.
Comment: Not observed at significant frequency in large population cohorts (gnomAD); In silico analysis indicates that this missense variant does not alter protein structure/function; Observed in an individual undergoing APC genetic testing at a commercial laboratory (PMID: 23159591); This variant is associated with the following publications: (PMID: 23159591)

All of Us Research Program, National Institutes of Health
Classification: Uncertain significance for Classic or attenuated familial adenomatous polyposis. Last evaluated: 2024-01-11. Review status: criteria provided, single submitter. Criteria: ACMG Guidelines, 2015. Collection method: clinical testing. Allele origin: germline. Inheritance: Autosomal dominant inheritance. Observed: 3 variant alleles, 3 heterozygotes.
Comment: This study involves interpretation of variants in research participants for the purpose of population health screening. Participant phenotype was not available at the time of variant classification. Additional details can be found in publication PMID: 35346344, PMCID: PMC8962531

Sema4
Classification: Uncertain significance for Hereditary cancer-predisposing syndrome. Last evaluated: 2021-10-26. Review status: criteria provided, single submitter. Criteria: Sema4 Curation Guidelines. Collection method: curation. Allele origin: germline.
Comment: The APC c.911T>C (p.L304P) variant has been reported in heterozygosity in at least one individual with familial adenomatous polyposis (PMID: 23159591). It was observed in 1/31410 chromosomes in the large and broad cohorts of the Genome Aggregation Database (PMID: 32461654). This variant has been reported in ClinVar (Variation ID 418609). Functional studies have not been performed, and in silico predictions of the variant's effect on protein function are inconclusive. The evidence is insufficient to meet ACMG/AMP criteria for classifying the variant as benign or pathogenic. Thus, the clinical significance of this variant is currently uncertain.

Color Diagnostics, LLC DBA Color Health
Classification: Uncertain significance for Hereditary cancer-predisposing syndrome. Last evaluated: 2019-02-17. Review status: criteria provided, single submitter. Criteria: ACMG Guidelines, 2015. Collection method: clinical testing. Allele origin: germline.

Quest Diagnostics Nichols Institute San Juan Capistrano
Classification: Uncertain significance. Last evaluated: 2018-11-11. Review status: criteria provided, single submitter. Criteria: Quest Diagnostics criteria. Collection method: clinical testing. Allele origin: germline.

Literature cited by the submitters: PubMed 23159591 (cited by 3 submitters).